The following is an entry in ClinVar:

ClinVar aggregate classification (germline): Uncertain significance. Review status: criteria provided, multiple submitters, no conflicts (2 of 4 stars). 3 submissions from 3 submitters: Uncertain significance (3). Last evaluated 2024-01-25.

Conditions:
Fanconi anemia complementation group P. Also called: SLX4-Related Fanconi Anemia. Identifiers: Orphanet 84, MedGen C3469542, MONDO:0013499, OMIM 613951.
Fanconi anemia (FA). Also called: Fanconi's anemia. Identifiers: Orphanet 84, MedGen C0015625, MeSH D005199, MONDO:0019391.

Submissions (3):

Baylor Genetics
Classification: Uncertain significance for Fanconi anemia complementation group P. Last evaluated: 2024-01-25. Review status: criteria provided, single submitter. Criteria: ACMG Guidelines, 2015. Collection method: clinical testing. Allele origin: unknown.

GeneDx
Classification: Uncertain significance. Last evaluated: 2022-12-08. Review status: criteria provided, single submitter. Criteria: GeneDx Variant Classification Process June 2021. Collection method: clinical testing. Allele origin: germline. Affected: yes.
Comment: Not observed at significant frequency in large population cohorts (gnomAD); In silico analysis supports that this missense variant does not alter protein structure/function; Has not been previously published as pathogenic or benign to our knowledge

Labcorp Genetics (formerly Invitae), Labcorp
Classification: Uncertain significance for Fanconi anemia. Last evaluated: 2022-07-07. Review status: criteria provided, single submitter. Criteria: Invitae Variant Classification Sherloc (09022015). Collection method: clinical testing. Allele origin: germline.
Comment: This sequence change replaces glutamine, which is neutral and polar, with arginine, which is basic and polar, at codon 518 of the SLX4 protein (p.Gln518Arg). This variant is not present in population databases (gnomAD no frequency). This variant has not been reported in the literature in individuals affected with SLX4-related conditions. Algorithms developed to predict the effect of missense changes on protein structure and function output the following: SIFT: "Tolerated"; PolyPhen-2: "Benign"; Align-GVGD: "Class C0". The arginine amino acid residue is found in multiple mammalian species, which suggests that this missense change does not adversely affect protein function. In summary, the available evidence is currently insufficient to determine the role of this variant in disease. Therefore, it has been classified as a Variant of Uncertain Significance.

NM_032444.4(SLX4):c.1553A>G (p.Gln518Arg)

Gene: SLX4 (SLX4 structure-specific endonuclease subunit; minus strand). Cytogenetic location: 16p13.3.
Variant type: single nucleotide variant.
Coding change: c.1553A>G on transcript NM_032444.4 (MANE Select); coding-DNA position 1553, A replaced by G.
Protein change: p.Gln518Arg; replaces glutamine 518 with arginine.
Molecular consequence: missense variant.
Genome position (GRCh38, 1-based): chr16:3,597,509, T>C on the plus strand (A>G on the coding strand, the complement: SLX4 is on the minus strand). VCF-style: chr16-3597509-T-C. GRCh37 (hg19) VCF-style: chr16-3647510-T-C.
Other names: short protein forms Q518R.
Identifiers: ClinVar variation 2013099 (VCV002013099.4), dbSNP rs954947904, ClinGen allele CA276964494.